The following is an entry in ClinVar:

NM_000038.6(APC):c.2905A>C (p.Ser969Arg)

Gene: APC (APC regulator of Wnt signaling pathway; plus strand). Cytogenetic location: 5q22.2.
Variant type: single nucleotide variant.
Coding change: c.2905A>C on transcript NM_000038.6 (MANE Select); coding-DNA position 2905, A replaced by C.
Protein change: p.Ser969Arg; replaces serine 969 with arginine.
Molecular consequence: missense variant.
Genome position (GRCh38, 1-based): chr5:112,838,499, A>C. VCF-style: chr5-112838499-A-C. GRCh37 (hg19) VCF-style: chr5-112174196-A-C.
Other names: c.2905A>C, p.Ser969Arg (NM_001127510.3, NM_001354895.2, NM_001407450.1); c.2851A>C, p.Ser951Arg (NM_001127511.3); c.2959A>C, p.Ser987Arg (NM_001354896.2, NM_001407447.1, NM_001407448.1 and 1 more transcripts); c.2935A>C, p.Ser979Arg (NM_001354897.2); c.2830A>C, p.Ser944Arg (NM_001354898.2); c.2821A>C, p.Ser941Arg (NM_001354899.2); c.2782A>C, p.Ser928Arg (NM_001354900.2); c.2728A>C, p.Ser910Arg (NM_001354901.2, NM_001407453.1); and 11 more; short protein forms S878R, S910R, S928R, S941R, S969R, S987R, S997R, S809R.
Identifiers: ClinVar variation 1996514 (VCV001996514.4), dbSNP rs2149879884, ClinGen allele CA16027675.

ClinVar aggregate classification (germline): Uncertain significance (1 of 4 stars; one submission).

Conditions:
Familial adenomatous polyposis 1 (FAP1). Also called: FAMILIAL ADENOMATOUS POLYPOSIS 1, ATTENUATED; POLYPOSIS, ADENOMATOUS INTESTINAL. Identifiers: MedGen C2713442, MONDO:0021056, OMIM 175100. Disease mechanism: loss of function.

Submission:

Labcorp Genetics (formerly Invitae), Labcorp
Classification: Uncertain significance for Familial adenomatous polyposis 1. Last evaluated: 2022-05-19. Review status: criteria provided, single submitter. Criteria: Invitae Variant Classification Sherloc (09022015). Collection method: clinical testing. Allele origin: germline.
Comment: In summary, the available evidence is currently insufficient to determine the role of this variant in disease. Therefore, it has been classified as a Variant of Uncertain Significance. Algorithms developed to predict the effect of missense changes on protein structure and function are either unavailable or do not agree on the potential impact of this missense change (SIFT: "Deleterious"; PolyPhen-2: "Probably Damaging"; Align-GVGD: "Class C15"). This sequence change replaces serine, which is neutral and polar, with arginine, which is basic and polar, at codon 969 of the APC protein (p.Ser969Arg). This variant has not been reported in the literature in individuals affected with APC-related conditions. This variant is not present in population databases (gnomAD no frequency).